The following is an entry in ClinVar:

NM_152730.6(TBC1D32):c.2200C>T (p.Arg734Ter)

Gene: TBC1D32 (TBC1 domain family member 32; minus strand). Cytogenetic location: 6q22.31.
Variant type: single nucleotide variant.
Coding change: c.2200C>T on transcript NM_152730.6 (MANE Select); coding-DNA position 2200, C replaced by T.
Protein change: p.Arg734Ter; replaces arginine 734 with a stop codon.
Molecular consequence: nonsense. On other transcripts: non-coding transcript variant (1).
Genome position (GRCh38, 1-based): chr6:121,241,510, G>A on the plus strand (C>T on the coding strand, the complement: TBC1D32 is on the minus strand). VCF-style: chr6-121241510-G-A. GRCh37 (hg19) VCF-style: chr6-121562656-G-A.
Other names: c.2200C>T, p.Arg734Ter (NM_001367759.1, NM_001367760.1); short protein forms R734*.
Identifiers: ClinVar variation 2500743 (VCV002500743.4), dbSNP rs200603439, ClinGen allele CA3980919.

ClinVar aggregate classification (germline): Pathogenic/Likely pathogenic. Review status: criteria provided, multiple submitters, no conflicts (2 of 4 stars). 3 submissions from 3 submitters: Pathogenic (2); Likely pathogenic (1). Last evaluated 2023-06-06.

Conditions:
Orofaciodigital syndrome IX. Also called: OFDS IX; ORAL-FACIAL-DIGITAL SYNDROME WITH RETINAL ABNORMALITIES; ORAL-FACIAL-DIGITAL SYNDROME, TYPE IX; OROFACIODIGITAL SYNDROME WITH RETINAL ABNORMALITIES. Identifiers: Orphanet 141007, MedGen C0796102, MONDO:0009795, OMIM 258865.
Hypopituitarism. Identifiers: MedGen C0020635, MONDO:0005152, HP:0040075.
Ciliopathy. Also called: Ciliopathies. Identifiers: Orphanet 363250, MedGen C4277690, MONDO:0005308, MeSH D000072661.

Allele frequency attached by ClinVar (database versions not stated): ESP Exome Variant Server 0.00008; gnomAD exomes 0.00011; ExAC 0.00013; gnomAD 0.00008; TOPMed 0.00008.
gnomAD v4.1: 173 of 1,613,292 alleles (0.011%); highest among the groups gnomAD compares: Non-Finnish European, 0.014%; no homozygotes.

Submissions (3):

Molecular Genetics, Royal Melbourne Hospital
Classification: Pathogenic for Ciliopathy. Last evaluated: 2023-06-06. Review status: criteria provided, single submitter. Criteria: ACMG Guidelines, 2015. Collection method: clinical testing. Allele origin: germline. Inheritance: Autosomal recessive inheritance.
Comment: This sequence change in TBC1D32 is a nonsense variant predicted to cause a premature stop codon, p.(Arg734*), in biologically relevant exon 19/32 leading to nonsense-mediated decay in a gene in which loss-of-function is an established disease mechanism (PMID: 20159594, 24285566, 32060556, 32573025). The highest population minor allele frequency in the population database gnomAD v2.1 is 0.02% (20/113,118 alleles) in the European (non-Finnish) population, which is consistent with a recessive disease. This variant has been observed in trans with the variant c.156-1G>T (Ahn et al. 2021, DOI 10.5734/JGM.2021.18.1.64) which is classified as likely pathogenic in an individual with a ciliopathy phenotype. Based on the classification scheme RMH Modified ACMG/AMP Guidelines v1.6.1, this variant is classified as PATHOGENIC. Following criteria are met: PVS1, PM3, PM2_Supporting.

Illumina Laboratory Services, Illumina
Classification: Likely pathogenic for Orofaciodigital syndrome IX. Last evaluated: 2022-06-10. Review status: criteria provided, single submitter. Criteria: ICSLVariantClassificationCriteria RUGD 01 April 2020. Collection method: clinical testing. Allele origin: unknown.
Comment: The TBC1D32 c.2200C>T p.(Arg734Ter) nonsense variant is expected to result in the loss of normal protein function through either protein truncation or nonsense-mediated mRNA decay.. Across a selection of the available literature, thec.2200C>T p.(Arg734Ter) variant was identified in a compound heterozygous state in an individual with ciliopathy. This individual presented with craniofacial dysmorphologies, choanal atresia, abnormal genitals, pituitary hypoplasia, hypotonia, developmental delay, agenesis of the corpus callosum, hydrocephalus, endocrine abnormalities, shortened limbs and respiratory distress. This individual did not present with midline clefting or poly/syndactyly (Ahn et al. 2021). This variant is not observed in version 2.1.1 or version 3.1.2 of the Genome Aggregation Database. Based on the available evidence, the c.2200C>T p.(Arg734Ter) variant is classified as likely pathogenic for oral-facial-digital syndrome type IX.

Victorian Clinical Genetics Services, Murdoch Childrens Research Institute
Classification: Pathogenic for Hypopituitarism. Last evaluated: 2022-02-02. Review status: criteria provided, single submitter. Criteria: ACMG Guidelines, 2015. Collection method: clinical testing. Allele origin: germline. Inheritance: Autosomal recessive inheritance. Affected: yes.
Comment: Based on the classification scheme VCGS_Germline_v1.3.4, this variant is classified as Pathogenic. Following criteria are met: 0102 - Loss of function is a known mechanism of disease in this gene and is associated with hypopituitarism (MONDO#0005152), TBC1D32-related. (I) 0106 - This gene is associated with autosomal recessive disease. (I) 0201 - Variant is predicted to cause nonsense-mediated decay (NMD) and loss of protein (premature termination codon is located at least 54 nucleotides upstream of the final exon-exon junction). (SP) 0251 - This variant is heterozygous. (I) 0304 - Variant is present in gnomAD (v2) <0.01 for a recessive condition (26 heterozygotes, 0 homozygotes). (SP) 0703 - Other premature termination variants comparable to the one identified in this case have moderate previous evidence for pathogenicity. There are 2 additional NMD-predicted variants reported in a sib-pair with syndromic hypopituitarism (PMID: 32060556). (SP) 0803 - This variant has limited previous evidence of pathogenicity in an unrelated individual. It has been reported as compound heterozygous with a canonical splice site variant in an individual with hypopituitarism and ciliopathy (Ahn, J. et al. (2021)). (SP) 0905 - No published segregation evidence has been identified for this variant. (I) 1007 - No published functional evidence has been identified for this variant. (I) Legend: (SP) - Supporting pathogenic, (I) - Information, (SB) - Supporting benign

Literature cited by the submitters: PubMed 20159594 (cited by Molecular Genetics, Royal Melbourne Hospital); PubMed 24285566 (cited by Molecular Genetics, Royal Melbourne Hospital); PubMed 32060556 (cited by Molecular Genetics, Royal Melbourne Hospital and Victorian Clinical Genetics Services, Murdoch Childrens Research Institute); PubMed 32573025 (cited by Molecular Genetics, Royal Melbourne Hospital).